The following is an entry in ClinVar:

NM_000313.4(PROS1):c.797A>G (p.Tyr266Cys)

Gene: PROS1 (protein S; minus strand). Cytogenetic location: 3q11.1.
Variant type: single nucleotide variant.
Coding change: c.797A>G on transcript NM_000313.4 (MANE Select); coding-DNA position 797, A replaced by G.
Protein change: p.Tyr266Cys; replaces tyrosine 266 with cysteine.
Molecular consequence: missense variant.
Genome position (GRCh38, 1-based): chr3:93,898,500, T>C on the plus strand (A>G on the coding strand, the complement: PROS1 is on the minus strand). VCF-style: chr3-93898500-T-C. GRCh37 (hg19) VCF-style: chr3-93617344-T-C.
Other names: c.893A>G, p.Tyr298Cys (NM_001314077.2); short protein forms Y266C, Y298C.
Identifiers: ClinVar variation 2203407 (VCV002203407.4), dbSNP rs777616039, ClinGen allele CA2503365.

ClinVar aggregate classification (germline): Uncertain significance (1 of 4 stars; one submission).

Conditions:
Thrombophilia due to protein S deficiency, autosomal recessive (THPH6). Identifiers: Orphanet 743, MedGen C3281092, MONDO:0013791, OMIM 614514. Disease mechanism: loss of function.

Allele frequency attached by ClinVar (database versions not stated): gnomAD exomes below 0.00001; ExAC 0.00001.
gnomAD v4.1: 3 of 1,612,766 alleles (0.00019%); highest among the groups gnomAD compares: Non-Finnish European, 0.00025%; no homozygotes.

Submission:

Labcorp Genetics (formerly Invitae), Labcorp
Classification: Uncertain significance for Thrombophilia due to protein S deficiency, autosomal recessive. Last evaluated: 2022-05-20. Review status: criteria provided, single submitter. Criteria: Invitae Variant Classification Sherloc (09022015). Collection method: clinical testing. Allele origin: germline.
Comment: Experimental studies are conflicting or provide insufficient evidence to determine the effect of this variant on PROS1 function (PMID: 15712227). In summary, the available evidence is currently insufficient to determine the role of this variant in disease. Therefore, it has been classified as a Variant of Uncertain Significance. Algorithms developed to predict the effect of missense changes on protein structure and function are either unavailable or do not agree on the potential impact of this missense change (SIFT: "Deleterious"; PolyPhen-2: "Probably Damaging"; Align-GVGD: "Class C15"). This missense change has been observed in individual(s) with clinical features of autosomal dominant PROS1-related conditions (PMID: 15712227). This variant is present in population databases (rs777616039, gnomAD 0.0009%). This sequence change replaces tyrosine, which is neutral and polar, with cysteine, which is neutral and slightly polar, at codon 266 of the PROS1 protein (p.Tyr266Cys).

Literature cited by the submitters: PubMed 15712227.